The following is an entry in ClinVar:

ClinVar aggregate classification (germline): Uncertain significance (1 of 4 stars; one submission).

Conditions:
Angelman syndrome (AS). Also called: HAPPY PUPPET SYNDROME. Identifiers: Orphanet 72, MedGen C0162635, MONDO:0007113, OMIM 105830. Disease mechanism: loss of function. Inheritance: AS is caused by disruption of maternally imprinted UBE3A located within the 15q11.2-q13 Angelman syndrome/Prader-Willi syndrome (AS/PWS) region., imprinting disorder.

Allele frequency attached by ClinVar (database versions not stated): TOPMed 0.00001; ESP Exome Variant Server 0.00008.
gnomAD v4.1: 7 of 1,613,966 alleles (0.00043%); highest among the groups gnomAD compares: African/African-American, 0.0027%; no homozygotes.

Submission:

Labcorp Genetics (formerly Invitae), Labcorp
Classification: Uncertain significance for Angelman syndrome. Last evaluated: 2023-10-16. Review status: criteria provided, single submitter. Criteria: Invitae Variant Classification Sherloc (09022015). Collection method: clinical testing. Allele origin: germline.
Comment: This sequence change replaces asparagine, which is neutral and polar, with aspartic acid, which is acidic and polar, at codon 259 of the UBE3A protein (p.Asn259Asp). This variant is present in population databases (rs376828905, gnomAD 0.008%). This variant has not been reported in the literature in individuals affected with UBE3A-related conditions. ClinVar contains an entry for this variant (Variation ID: 1011080). Advanced modeling of protein sequence and biophysical properties (such as structural, functional, and spatial information, amino acid conservation, physicochemical variation, residue mobility, and thermodynamic stability) has been performed at Invitae for this missense variant, however the output from this modeling did not meet the statistical confidence thresholds required to predict the impact of this variant on UBE3A protein function. In summary, the available evidence is currently insufficient to determine the role of this variant in disease. Therefore, it has been classified as a Variant of Uncertain Significance.

NM_130839.5(UBE3A):c.835A>G (p.Asn279Asp)

Genes: SNHG14 (small nucleolar RNA host gene 14; plus strand), UBE3A (ubiquitin protein ligase E3A; minus strand). Cytogenetic location: 15q11.2.
Variant type: single nucleotide variant.
Coding change: c.835A>G on transcript NM_130839.5 (MANE Select); coding-DNA position 835, A replaced by G.
Protein change: p.Asn279Asp; replaces asparagine 279 with aspartic acid.
Molecular consequence: missense variant. On other transcripts: non-coding transcript variant (1), intron variant (2).
Genome position (GRCh38, 1-based): chr15:25,371,339, T>C on the plus strand (A>G on the coding strand, the complement: UBE3A is on the minus strand). VCF-style: chr15-25371339-T-C. GRCh37 (hg19) VCF-style: chr15-25616486-T-C.
Other names: c.844A>G, p.Asn282Asp (NM_000462.5); c.835A>G, p.Asn279Asp (NM_001354505.1, NM_001354538.2, NM_001354545.2); c.775A>G, p.Asn259Asp (NM_001354506.2, NM_001354507.2, NM_001354508.2 and 17 more transcripts); c.658A>G, p.Asn220Asp (NM_001354546.2); c.301+4126A>G (NM_001354551.2); c.361+4126A>G (NM_001354550.2); short protein forms N220D, N259D, N279D, N282D.
Identifiers: ClinVar variation 1011080 (VCV001011080.7), dbSNP rs376828905, ClinGen allele CA7435584.